The following is an entry in ClinVar:

ClinVar aggregate classification (germline): Uncertain significance (1 of 4 stars; one submission).

Submission:

Labcorp Genetics (formerly Invitae), Labcorp
Classification: Uncertain significance. Last evaluated: 2025-02-23. Review status: criteria provided, single submitter. Criteria: Invitae Variant Classification Sherloc (09022015). Collection method: clinical testing. Allele origin: germline.
Comment: This sequence change replaces alanine, which is neutral and non-polar, with proline, which is neutral and non-polar, at codon 13 of the RINT1 protein (p.Ala13Pro). This variant is not present in population databases (gnomAD no frequency). This variant has not been reported in the literature in individuals affected with RINT1-related conditions. An algorithm developed to predict the effect of missense changes on protein structure and function (PolyPhen-2) suggests that this variant is likely to be tolerated. In summary, the available evidence is currently insufficient to determine the role of this variant in disease. Therefore, it has been classified as a Variant of Uncertain Significance.

NM_021930.6(RINT1):c.37G>C (p.Ala13Pro)

Gene: RINT1 (RAD50 interactor 1; plus strand). Cytogenetic location: 7q22.3.
Variant type: single nucleotide variant.
Coding change: c.37G>C on transcript NM_021930.6 (MANE Select); coding-DNA position 37, G replaced by C.
Protein change: p.Ala13Pro; replaces alanine 13 with proline.
Molecular consequence: missense variant. On other transcripts: 5 prime UTR variant (4), non-coding transcript variant (1).
Genome position (GRCh38, 1-based): chr7:105,532,352, G>C. VCF-style: chr7-105532352-G-C. GRCh37 (hg19) VCF-style: chr7-105172799-G-C.
Other names: c.-61G>C (NM_001346599.2); c.-983G>C (NM_001346600.2); c.-886G>C (NM_001346601.2); c.-506G>C (NM_001346603.2); short protein forms A13P.
Identifiers: ClinVar variation 4713712 (VCV004713712.1).